The following is an entry in ClinVar:

ClinVar aggregate classification (germline): Likely benign (1 of 4 stars; one submission).

Conditions:
Malignant hyperthermia, susceptibility to, 5 (MHS5). Also called: CACNA1S-Related Malignant Hyperthermia Susceptibility. Identifiers: Orphanet 423, MedGen C1866077, MONDO:0011163, OMIM 601887.

Allele frequency attached by ClinVar (database versions not stated): TOPMed below 0.00001; gnomAD 0.00001.
gnomAD v4.1: 2 of 1,614,000 alleles (0.00012%); highest among the groups gnomAD compares: African/African-American, 0.0013%; no homozygotes.

Submission:

All of Us Research Program, National Institutes of Health
Classification: Likely benign for Malignant hyperthermia, susceptibility to, 5. Last evaluated: 2023-06-26. Review status: criteria provided, single submitter. Criteria: ACMG Guidelines, 2015. Collection method: clinical testing. Allele origin: germline. Inheritance: Autosomal dominant inheritance. Observed: 1 variant allele, 1 heterozygote.
Comment: This study involves interpretation of variants in research participants for the purpose of population health screening. Participant phenotype was not available at the time of variant classification. Additional details can be found in publication PMID: 35346344, PMCID: PMC8962531

NM_000069.3(CACNA1S):c.601C>T (p.Leu201=)

Gene: CACNA1S (calcium voltage-gated channel subunit alpha1 S; minus strand). Cytogenetic location: 1q32.1.
Variant type: single nucleotide variant.
Coding change: c.601C>T on transcript NM_000069.3 (MANE Select); coding-DNA position 601, C replaced by T.
Protein change: p.Leu201=; no amino-acid change (leucine 201 retained).
Molecular consequence: synonymous variant.
Genome position (GRCh38, 1-based): chr1:201,091,733, G>A on the plus strand (C>T on the coding strand, the complement: CACNA1S is on the minus strand). VCF-style: chr1-201091733-G-A. GRCh37 (hg19) VCF-style: chr1-201060861-G-A.
Identifiers: ClinVar variation 3071925 (VCV003071925.1), dbSNP rs1260962754, ClinGen allele CA422815349.